The following is an entry in ClinVar:

ClinVar aggregate classification (germline): Uncertain significance (1 of 4 stars; one submission).

Submission:

Ambry Genetics
Classification: Uncertain significance. Last evaluated: 2024-09-08. Review status: criteria provided, single submitter. Criteria: Ambry Variant Classification Scheme 2023. Collection method: clinical testing. Allele origin: germline.
Comment: The p.T1454I variant (also known as c.4361C>T), located in coding exon 16 of the POLQ gene, results from a C to T substitution at nucleotide position 4361. The threonine at codon 1454 is replaced by isoleucine, an amino acid with similar properties. This amino acid position is conserved. In addition, this alteration is predicted to be tolerated by in silico analysis. Since supporting evidence is limited at this time, the clinical significance of this alteration remains unclear.

NM_199420.4(POLQ):c.4361C>T (p.Thr1454Ile)

Gene: POLQ (DNA polymerase theta; minus strand). Cytogenetic location: 3q13.33.
Variant type: single nucleotide variant.
Coding change: c.4361C>T on transcript NM_199420.4 (MANE Select); coding-DNA position 4361, C replaced by T.
Protein change: p.Thr1454Ile; replaces threonine 1454 with isoleucine.
Molecular consequence: missense variant.
Genome position (GRCh38, 1-based): chr3:121,488,570, G>A on the plus strand (C>T on the coding strand, the complement: POLQ is on the minus strand). VCF-style: chr3-121488570-G-A. GRCh37 (hg19) VCF-style: chr3-121207417-G-A.
Other names: short protein forms T1454I.
Identifiers: ClinVar variation 1740018 (VCV001740018.3), dbSNP rs2546785979, ClinGen allele CA354095309.